The following is an entry in ClinVar:

NM_000268.4(NF2):c.733G>T (p.Asp245Tyr)

Gene: NF2 (NF2, moesin-ezrin-radixin like (MERLIN) tumor suppressor; plus strand). Cytogenetic location: 22q12.2.
Variant type: single nucleotide variant.
Coding change: c.733G>T on transcript NM_000268.4 (MANE Select); coding-DNA position 733, G replaced by T.
Protein change: p.Asp245Tyr; replaces aspartic acid 245 with tyrosine.
Molecular consequence: missense variant. On other transcripts: non-coding transcript variant (1), intron variant (1).
Genome position (GRCh38, 1-based): chr22:29,661,262, G>T. VCF-style: chr22-29661262-G-T. GRCh37 (hg19) VCF-style: chr22-30057251-G-T.
Other names: c.607G>T, p.Asp203Tyr (NM_181828.3, NM_001407055.1); c.610G>T, p.Asp204Tyr (NM_181829.3, NM_001407054.1, NM_001407058.1); c.484G>T, p.Asp162Tyr (NM_181830.3, NM_181831.3, NM_001407063.1 and 1 more transcripts); c.733G>T, p.Asp245Tyr (NM_181832.3, NM_001407060.1, NM_001407066.1 and 2 more transcripts); c.447+18977G>T (NM_181833.3); c.619G>T, p.Asp207Tyr (NM_001407053.1, NM_001407056.1); c.199G>T, p.Asp67Tyr (NM_001407065.1); c.502G>T, p.Asp168Tyr (NM_001407067.1); short protein forms D162Y, D207Y, D67Y, D204Y, D245Y, D168Y, D203Y.
Identifiers: ClinVar variation 1758410 (VCV001758410.2), dbSNP rs2066468835, ClinGen allele CA411143851.

ClinVar aggregate classification (germline): Uncertain significance (1 of 4 stars; one submission).

Conditions:
Hereditary cancer-predisposing syndrome. Also called: Neoplastic Syndromes, Hereditary; Tumor predisposition; Hereditary Cancer Syndrome; Hereditary neoplastic syndrome. Identifiers: Orphanet 140162, MedGen C0027672, MeSH D009386, MONDO:0015356.

Submission:

Ambry Genetics
Classification: Uncertain significance for Hereditary cancer-predisposing syndrome. Last evaluated: 2022-05-27. Review status: criteria provided, single submitter. Criteria: Ambry Variant Classification Scheme 2023. Collection method: clinical testing. Allele origin: germline.
Comment: The p.D245Y variant (also known as c.733G>T), located in coding exon 8 of the NF2 gene, results from a G to T substitution at nucleotide position 733. The aspartic acid at codon 245 is replaced by tyrosine, an amino acid with highly dissimilar properties. This amino acid position is conserved. In addition, this alteration is predicted to be deleterious by in silico analysis. Since supporting evidence is limited at this time, the clinical significance of this alteration remains unclear.